The following is an entry in ClinVar:

ClinVar aggregate classification (germline): Uncertain significance (1 of 4 stars; one submission).

Conditions:
Inborn genetic diseases. Identifiers: MedGen C0950123, MeSH D030342.

gnomAD v4.1: 4 of 1,613,992 alleles (0.00025%); highest among the groups gnomAD compares: Admixed American, 0.0033%; no homozygotes.

Submission:

Ambry Genetics
Classification: Uncertain significance for Inborn genetic diseases. Last evaluated: 2025-10-31. Review status: criteria provided, single submitter. Criteria: Ambry Variant Classification Scheme 2023. Collection method: clinical testing. Allele origin: germline.
Comment: The p.R325G variant (also known as c.973C>G), located in coding exon 9 of the CEP57 gene, results from a C to G substitution at nucleotide position 973. The arginine at codon 325 is replaced by glycine, an amino acid with dissimilar properties. This amino acid position is conserved. In addition, the in silico prediction for this alteration is inconclusive. Based on the available evidence, the clinical significance of this variant remains unclear.

NM_014679.5(CEP57):c.973C>G (p.Arg325Gly)

Gene: CEP57 (centrosomal protein 57; plus strand). Cytogenetic location: 11q21.
Variant type: single nucleotide variant.
Coding change: c.973C>G on transcript NM_014679.5 (MANE Select); coding-DNA position 973, C replaced by G.
Protein change: p.Arg325Gly; replaces arginine 325 with glycine.
Molecular consequence: missense variant.
Genome position (GRCh38, 1-based): chr11:95,827,873, C>G. VCF-style: chr11-95827873-C-G. GRCh37 (hg19) VCF-style: chr11-95561037-C-G.
Other names: c.676C>G, p.Arg226Gly (NM_001440881.1); c.670C>G, p.Arg224Gly (NM_001440882.1); c.787C>G, p.Arg263Gly (NM_001440874.1); c.784C>G, p.Arg262Gly (NM_001440875.1); c.778C>G, p.Arg260Gly (NM_001440876.1); c.775C>G, p.Arg259Gly (NM_001440877.1, NM_001440878.1); c.748C>G, p.Arg250Gly (NM_001440879.1); c.712C>G, p.Arg238Gly (NM_001440880.1); and 6 more; short protein forms R260G, R262G, R325G, R224G, R226G, R250G, R299G, R238G.
Identifiers: ClinVar variation 4613583 (VCV004613583.1).